The following is an entry in ClinVar:

ClinVar aggregate classification (germline): Uncertain significance (1 of 4 stars; one submission).

Conditions:
Hypertrophic cardiomyopathy 4. Also called: Familial hypertrophic cardiomyopathy 4. Identifiers: MedGen C1861862, MONDO:0007268, OMIM 115197.

Submission:

The Laboratory of Cardiovascular Diseases, The First Hospital of LanZhou University
Classification: Uncertain significance for Hypertrophic cardiomyopathy 4. Last evaluated: 2022-08-23. Review status: criteria provided, single submitter. Criteria: ACMG Guidelines, 2015. Collection method: clinical testing. Allele origin: paternal. Inheritance: Autosomal dominant inheritance. Affected: yes.
Comment: The current evidence defines this mutation as unclear significance.

NM_000256.3(MYBPC3):c.909-18C>G

Gene: MYBPC3 (myosin binding protein C3; minus strand). Cytogenetic location: 11p11.2.
Variant type: single nucleotide variant.
Coding change: c.909-18C>G on transcript NM_000256.3 (MANE Select); 18 bases into the intron before coding-DNA position 909, C replaced by G.
Molecular consequence: intron variant.
Genome position (GRCh38, 1-based): chr11:47,346,662, G>C on the plus strand (C>G on the coding strand, the complement: MYBPC3 is on the minus strand). VCF-style: chr11-47346662-G-C. GRCh37 (hg19) VCF-style: chr11-47368213-G-C.
Identifiers: ClinVar variation 2582845 (VCV002582845.2), dbSNP rs2495772156, ClinGen allele CA2582341870.